The following is an entry in ClinVar:

NM_004360.5(CDH1):c.940A>T (p.Lys314Ter)

Gene: CDH1 (cadherin 1; plus strand). Cytogenetic location: 16q22.1.
Variant type: single nucleotide variant.
Coding change: c.940A>T on transcript NM_004360.5 (MANE Select); coding-DNA position 940, A replaced by T.
Protein change: p.Lys314Ter; replaces lysine 314 with a stop codon.
Molecular consequence: nonsense. On other transcripts: 5 prime UTR variant (2).
Genome position (GRCh38, 1-based): chr16:68,811,791, A>T. VCF-style: chr16-68811791-A-T. GRCh37 (hg19) VCF-style: chr16-68845694-A-T.
Other names: c.940A>T (LRG_301t1); c.940A>T, p.Lys314Ter (NM_001317184.2); c.-676A>T (NM_001317185.2); c.-880A>T (NM_001317186.2); short protein forms K314*.
Identifiers: ClinVar variation 428632 (VCV000428632.15), dbSNP rs1131690820, ClinGen allele CA396459763.

ClinVar aggregate classification (germline): Pathogenic. Review status: reviewed by expert panel (3 of 4 stars). 4 submissions from 4 submitters: Pathogenic (1). 3 of the submissions do not count toward it. Last evaluated 2023-08-25.

Conditions:
CDH1-related diffuse gastric and lobular breast cancer syndrome. Also called: CDH1-related diffuse gastric and lobular breast cancer. Identifiers: MedGen CN311521, MONDO:0100488.
Hereditary cancer-predisposing syndrome. Also called: Hereditary neoplastic syndrome; Tumor predisposition; Neoplastic Syndromes, Hereditary; Hereditary Cancer Syndrome. Identifiers: Orphanet 140162, MedGen C0027672, MeSH D009386, MONDO:0015356.
Hereditary diffuse gastric adenocarcinoma (HDGC). Also called: DIFFUSE GASTRIC AND LOBULAR BREAST CANCER SYNDROME. Identifiers: Orphanet 26106, MedGen C1708349, MONDO:0007648, OMIM 137215.
Malignant tumor of breast. Also called: Malignant breast neoplasm; Cancer breast. Identifiers: MedGen C0006142, MONDO:0007254. Disease mechanism: loss of function.

Submissions (4):

Clingen Gastric Cancer Variant Curation Expert Panel
Classification: Pathogenic for CDH1-related diffuse gastric and lobular breast cancer syndrome. Last evaluated: 2023-08-25. Review status: reviewed by expert panel. Criteria: ClinGen CDH1 ACMG Specifications V3.1. Collection method: curation. Allele origin: germline. Inheritance: Autosomal dominant inheritance.
Comment: The c.940A>T (p.Lys314Ter) variant is predicted to result in a premature termination codon in exon 7 (PVS1, PM5_Supporting). The variant is absent from the gnomAD population database (PM2_Supporting). This variant has previously been reported in one individual meeting IGCLC criteria for HDGC (PS4_Supporting; PMID: 26182300). In summary, this variant meets criteria to be classified as pathogenic based on ACMP/AMP criteria as specified by the CDH1 Variant Curation Expert Panel (Variant Interpretation Guidelines Version 3.1): PVS1, PM2_Supporting, PS4_Supporting, PM5_Supporting.

Labcorp Genetics (formerly Invitae), Labcorp
Classification: Pathogenic for Hereditary diffuse gastric adenocarcinoma. Last evaluated: 2023-11-17. Review status: criteria provided, single submitter. Criteria: Invitae Variant Classification Sherloc (09022015). Collection method: clinical testing. Allele origin: germline. Not counted in ClinVar's aggregate classification.
Comment: This sequence change creates a premature translational stop signal (p.Lys314*) in the CDH1 gene. It is expected to result in an absent or disrupted protein product. Loss-of-function variants in CDH1 are known to be pathogenic (PMID: 15235021, 20373070). This variant is not present in population databases (gnomAD no frequency). This premature translational stop signal has been observed in individual(s) with diffuse gastric cancer (PMID: 26182300). ClinVar contains an entry for this variant (Variation ID: 428632). Algorithms developed to predict the effect of sequence changes on RNA splicing suggest that this variant may disrupt the consensus splice site. For these reasons, this variant has been classified as Pathogenic.

Women's Health and Genetics/Laboratory Corporation of America, LabCorp
Classification: Pathogenic for Malignant tumor of breast. Last evaluated: 2022-06-20. Review status: criteria provided, single submitter. Criteria: LabCorp Variant Classification Summary - May 2015. Collection method: clinical testing. Allele origin: germline. Not counted in ClinVar's aggregate classification.
Comment: Variant summary: CDH1 c.940A>T (p.Lys314X) results in a premature termination codon, predicted to cause a truncation of the encoded protein or absence of the protein due to nonsense mediated decay, which are commonly known mechanisms for disease. Truncations downstream of this position have been classified as pathogenic by our laboratory. The variant was absent in 251436 control chromosomes (gnomAD). c.940A>T has been reported in the literature in at least one individual affected with diffuse gastric cancer (Hansford_2015). These data indicate that the variant is likely to be associated with disease. To our knowledge, no experimental evidence demonstrating an impact on protein function has been reported. Three ClinVar submitters, including one expert panel (ClinGen CDH1 Variant Curation Expert Panel), (evaluation after 2014) cite the variant as pathogenic. Based on the evidence outlined above, the variant was classified as pathogenic.

Ambry Genetics
Classification: Pathogenic for Hereditary cancer-predisposing syndrome. Last evaluated: 2015-02-06. Review status: criteria provided, single submitter. Criteria: Ambry Variant Classification Scheme 2023. Collection method: clinical testing. Allele origin: germline. Not counted in ClinVar's aggregate classification.
Comment: The p.K314* pathogenic mutation (also known as c.940A>T), located in coding exon 7 of the CDH1 gene, results from a A to T substitution at nucleotide position 940. This changes the amino acid from a lysine to a stop codon within coding exon 7. Since premature stop codons are typically deleterious in nature, this alteration is interpreted as a disease-causing mutation (ACMG Recommendations for Standards for Interpretation and Reporting of Sequence Variations. Revision 2007. Genet Med. 2008;10:294).

Literature cited by the submitters: PubMed 15235021 (cited by Labcorp Genetics (formerly Invitae), Labcorp); PubMed 20373070 (cited by Labcorp Genetics (formerly Invitae), Labcorp); PubMed 26182300 (cited by Labcorp Genetics (formerly Invitae), Labcorp and Women's Health and Genetics/Laboratory Corporation of America, LabCorp); PubMed 30745422 (cited by Women's Health and Genetics/Laboratory Corporation of America, LabCorp); PubMed 32260281 (cited by Women's Health and Genetics/Laboratory Corporation of America, LabCorp); PubMed 33809393 (cited by Women's Health and Genetics/Laboratory Corporation of America, LabCorp).